The following is an entry in ClinVar:

NM_000238.4(KCNH2):c.257T>G (p.Leu86Arg)

Gene: KCNH2 (potassium voltage-gated channel subfamily H member 2; minus strand). Cytogenetic location: 7q36.1.
Variant type: single nucleotide variant.
Coding change: c.257T>G on transcript NM_000238.4 (MANE Select); coding-DNA position 257, T replaced by G.
Protein change: p.Leu86Arg; replaces leucine 86 with arginine.
Molecular consequence: missense variant.
Genome position (GRCh38, 1-based): chr7:150,974,761, A>C on the plus strand (T>G on the coding strand, the complement: KCNH2 is on the minus strand). VCF-style: chr7-150974761-A-C. GRCh37 (hg19) VCF-style: chr7-150671849-A-C.
Other names: c.257T>G (LRG_288t1); c.80T>G, p.Leu27Arg (NM_001406755.1); c.257T>G, p.Leu86Arg (NM_172056.3); short protein forms L86R, L27R.
Identifiers: ClinVar variation 67414 (VCV000067414.4), dbSNP rs199472851, ClinGen allele CA006969.

ClinVar aggregate classification (germline): Pathogenic. Review status: criteria provided, single submitter (1 of 4 stars). 2 submissions from 2 submitters: Pathogenic (1). 1 of the submissions does not count toward it. Last evaluated 2022-05-04.

Conditions:
Familial long QT syndrome (RWS). Also called: Congenital long QT syndrome; Romano-Ward syndrome; VENTRICULAR FIBRILLATION WITH PROLONGED QT INTERVAL. Identifiers: Orphanet 768, MedGen C1141890, MONDO:0019171.
Short QT syndrome type 1. Identifiers: Orphanet 51083, MedGen C1865020, MONDO:0012312, OMIM 609620.

Submissions (2):

Mendelics
Classification: Pathogenic for Short QT syndrome type 1. Last evaluated: 2022-05-04. Review status: criteria provided, single submitter. Criteria: Mendelics Assertion Criteria 2019. Collection method: clinical testing. Allele origin: germline.

Cardiovascular Biomedical Research Unit, Royal Brompton & Harefield NHS Foundation Trust
No classification provided. Condition: Familial long QT syndrome. Review status: no classification provided. Collection method: literature only. Allele origin: germline. Not counted in ClinVar's aggregate classification.
Comment: This variant has been reported as associated with Long QT syndrome in the following publications (PMID:10187793;PMID:10973849;PMID:11854117;PMID:21536673;PMID:22396785). This is a literature report, and does not necessarily reflect the clinical interpretation of the Imperial College / Royal Brompton Cardiovascular Genetics laboratory.

Literature cited by the submitters: PubMed 10187793 (cited by Cardiovascular Biomedical Research Unit, Royal Brompton & Harefield NHS Foundation Trust); PubMed 10973849 (cited by Cardiovascular Biomedical Research Unit, Royal Brompton & Harefield NHS Foundation Trust); PubMed 11854117 (cited by Cardiovascular Biomedical Research Unit, Royal Brompton & Harefield NHS Foundation Trust); PubMed 21536673 (cited by Cardiovascular Biomedical Research Unit, Royal Brompton & Harefield NHS Foundation Trust); PubMed 22396785 (cited by Cardiovascular Biomedical Research Unit, Royal Brompton & Harefield NHS Foundation Trust); PubMed 22581653 (cited by Cardiovascular Biomedical Research Unit, Royal Brompton & Harefield NHS Foundation Trust).